The following is an entry in ClinVar:

ClinVar aggregate classification (germline): Pathogenic (1 of 4 stars; one submission).

Conditions:
Aicardi-Goutieres syndrome 5. Identifiers: Orphanet 51, MedGen C2749659, MONDO:0013059, OMIM 612952.

Submission:

Labcorp Genetics (formerly Invitae), Labcorp
Classification: Pathogenic for Aicardi-Goutieres syndrome 5. Last evaluated: 2023-09-15. Review status: criteria provided, single submitter. Criteria: Invitae Variant Classification Sherloc (09022015). Collection method: clinical testing. Allele origin: germline.
Comment: For these reasons, this variant has been classified as Pathogenic. ClinVar contains an entry for this variant (Variation ID: 1074516). This variant has not been reported in the literature in individuals affected with SAMHD1-related conditions. This variant is present in population databases (rs759706198, gnomAD 0.0009%). This sequence change creates a premature translational stop signal (p.Ile110Serfs*6) in the SAMHD1 gene. It is expected to result in an absent or disrupted protein product. Loss-of-function variants in SAMHD1 are known to be pathogenic (PMID: 19525956, 22461318).

Literature cited by the submitters: PubMed 19525956; PubMed 22461318.

NM_015474.4(SAMHD1):c.328del (p.Ile110fs)

Gene: SAMHD1 (SAM and HD domain containing deoxynucleoside triphosphate triphosphohydrolase 1; minus strand). Cytogenetic location: 20q11.23.
Variant type: Deletion.
Coding change: c.328del on transcript NM_015474.4 (MANE Select); coding-DNA position 328, one base deleted (A; older notation c.328delA).
Protein change: p.Ile110fs; shifts the reading frame from isoleucine 110.
Molecular consequence: frameshift variant.
Genome position (GRCh38, 1-based): chr20:36,941,059, T deleted on the plus strand (A on the coding strand, the reverse complement: SAMHD1 is on the minus strand); the first of 3 consecutive T bases (chr20:36,941,059-36,941,061); deleting any one gives the same sequence. VCF-style (leftmost placement, unchanged base first): chr20-36941058-AT-A. GRCh37 (hg19) VCF-style: chr20-35569461-AT-A.
Other names: c.328del, p.Ile110fs (NM_001363729.2, NM_001363733.2); short protein forms I110fs.
Identifiers: ClinVar variation 1074516 (VCV001074516.7), dbSNP rs759706198, ClinGen allele CA9844765.